The following is an entry in ClinVar:

NM_003238.6(TGFB2):c.1176_1194del (p.Leu391_Tyr392insTer)

Gene: TGFB2 (transforming growth factor beta 2; plus strand). Cytogenetic location: 1q41.
Variant type: Deletion.
Coding change: c.1176_1194del on transcript NM_003238.6 (MANE Select); coding-DNA positions 1176 to 1194, 19 bases deleted (CTACATTGGCAAAACACCC).
Protein change: p.Leu391_Tyr392insTer.
Molecular consequence: nonsense. On other transcripts: non-coding transcript variant (2).
Genome position (GRCh38, 1-based): chr1:218,441,293-218,441,311, CTACATTGGCAAAACACCC deleted. VCF-style (leftmost placement, unchanged base first): chr1-218441292-ACTACATTGGCAAAACACCC-A. GRCh37 (hg19) VCF-style: chr1-218614634-ACTACATTGGCAAAACACCC-A.
Other names: c.1260_1278del, p.Leu419_Tyr420insTer (NM_001135599.4).
Identifiers: ClinVar variation 3806400 (VCV003806400.2).

ClinVar aggregate classification (germline): Uncertain significance. Review status: criteria provided, multiple submitters, no conflicts (2 of 4 stars). 2 submissions from 2 submitters: Uncertain significance (2). Last evaluated 2025-05-26.

Conditions:
Familial thoracic aortic aneurysm and aortic dissection (TAAD). Also called: Thoracic aortic aneurysms and dissections. Identifiers: Orphanet 91387, MedGen C4707243, MONDO:0019625.
Loeys-Dietz syndrome 4 (LDS4). Also called: TGFB2-Related Loeys-Dietz Syndrome; ANEURYSM, AORTIC AND CEREBRAL, WITH ARTERIAL TORTUOSITY AND SKELETAL MANIFESTATIONS. Identifiers: MedGen C3553762, MONDO:0013897, OMIM 614816.

Submissions (2):

Labcorp Genetics (formerly Invitae), Labcorp
Classification: Uncertain significance for Loeys-Dietz syndrome 4. Last evaluated: 2025-05-26. Review status: criteria provided, single submitter. Criteria: Invitae Variant Classification Sherloc (09022015). Collection method: clinical testing. Allele origin: germline.
Comment: This sequence change creates a premature translational stop signal (p.Tyr392*) in the TGFB2 gene. While this is not anticipated to result in nonsense mediated decay, it is expected to disrupt the last 23 amino acid(s) of the TGFB2 protein. This variant is not present in population databases (gnomAD no frequency). This premature translational stop signal has been observed in individual(s) with clinical features of TGFB2-related conditions (internal data). ClinVar contains an entry for this variant (Variation ID: 3806400). Experimental studies and prediction algorithms are not available or were not evaluated, and the functional significance of this variant is currently unknown. This variant disrupts a region of the TGFB2 protein in which other variant(s) (p.Glu401Gly) have been observed in individuals with TGFB2-related conditions (PMID: 33824467). This suggests that this is a clinically significant region of the protein, and that variants that disrupt it are likely to be disease-causing. In summary, the available evidence is currently insufficient to determine the role of this variant in disease. Therefore, it has been classified as a Variant of Uncertain Significance.

Ambry Genetics
Classification: Uncertain significance for Familial thoracic aortic aneurysm and aortic dissection. Last evaluated: 2025-02-06. Review status: criteria provided, single submitter. Criteria: Ambry Variant Classification Scheme 2023. Collection method: clinical testing. Allele origin: germline.
Comment: The c.1176_1194del19 variant, located in coding exon 7 of the TGFB2 gene, results from a deletion of 19 nucleotides at nucleotide positions 1176 to 1194, causing a translational frameshift with a predicted alternate stop codon (p.Y392*). This alteration occurs at the 3' terminus of theTGFB2 gene, is not expected to trigger nonsense-mediated mRNAdecay, and impacts the last 5% of the protein. The exact functional effect of this alteration is unknown. Based on the available evidence, the clinical significance of this variant remains unclear.

Literature cited by the submitters: PubMed 33824467 (cited by Labcorp Genetics (formerly Invitae), Labcorp).